The following is an entry in ClinVar:

NM_001080517.3(SETD5):c.1664G>T (p.Gly555Val)

Gene: SETD5 (SET domain containing 5; plus strand). Cytogenetic location: 3p25.3.
Variant type: single nucleotide variant.
Coding change: c.1664G>T on transcript NM_001080517.3 (MANE Select); coding-DNA position 1664, G replaced by T.
Protein change: p.Gly555Val; replaces glycine 555 with valine.
Molecular consequence: missense variant.
Genome position (GRCh38, 1-based): chr3:9,447,189, G>T. VCF-style: chr3-9447189-G-T. GRCh37 (hg19) VCF-style: chr3-9488873-G-T.
Other names: c.1370G>T, p.Gly457Val (NM_001292043.2, NM_001349451.2); short protein forms G457V, G555V.
Identifiers: ClinVar variation 3618733 (VCV003618733.2).

ClinVar aggregate classification (germline): Uncertain significance (1 of 4 stars; one submission).

gnomAD v4.1: 10 of 1,613,900 alleles (0.00062%); highest among the groups gnomAD compares: Middle Eastern, 0.016%; no homozygotes.

Submission:

Labcorp Genetics (formerly Invitae), Labcorp
Classification: Uncertain significance. Last evaluated: 2024-03-21. Review status: criteria provided, single submitter. Criteria: Invitae Variant Classification Sherloc (09022015). Collection method: clinical testing. Allele origin: germline.
Comment: This sequence change replaces glycine, which is neutral and non-polar, with valine, which is neutral and non-polar, at codon 555 of the SETD5 protein (p.Gly555Val). This variant is present in population databases (rs756530251, gnomAD 0.0009%). This variant has not been reported in the literature in individuals affected with SETD5-related conditions. Advanced modeling of protein sequence and biophysical properties (such as structural, functional, and spatial information, amino acid conservation, physicochemical variation, residue mobility, and thermodynamic stability) performed at Invitae indicates that this missense variant is not expected to disrupt SETD5 protein function with a negative predictive value of 80%. In summary, the available evidence is currently insufficient to determine the role of this variant in disease. Therefore, it has been classified as a Variant of Uncertain Significance.